The following is an entry in ClinVar:

NM_213607.3(DNAAF19):c.332G>T (p.Arg111Leu)

Gene: DNAAF19 (dynein axonemal assembly factor 19; plus strand). Cytogenetic location: 17q21.31.
Variant type: single nucleotide variant.
Coding change: c.332G>T on transcript NM_213607.3 (MANE Select); coding-DNA position 332, G replaced by T.
Protein change: p.Arg111Leu; replaces arginine 111 with leucine.
Molecular consequence: missense variant. On other transcripts: 3 prime UTR variant (3).
Genome position (GRCh38, 1-based): chr17:44,902,420, G>T. VCF-style: chr17-44902420-G-T. GRCh37 (hg19) VCF-style: chr17-42979788-G-T.
Other names: c.332G>T, p.Arg111Leu (NM_001258395.2, NM_001258396.2); c.*82G>T (NM_001258397.3); c.*21G>T (NM_001258398.3, NM_001258399.2); short protein forms R111L.
Identifiers: ClinVar variation 641431 (VCV000641431.6), dbSNP rs367570529, ClinGen allele CA8608355.

ClinVar aggregate classification (germline): Uncertain significance (1 of 4 stars; one submission).

Conditions:
Primary ciliary dyskinesia. Also called: Ciliary dyskinesia. Identifiers: Orphanet 244, MedGen C0008780, MONDO:0016575, HP:0012265.

gnomAD v4.1: 2 of 1,614,078 alleles (0.00012%); highest among the groups gnomAD compares: Non-Finnish European, 0.00017%; no homozygotes.

Submission:

Labcorp Genetics (formerly Invitae), Labcorp
Classification: Uncertain significance for Primary ciliary dyskinesia. Last evaluated: 2021-09-01. Review status: criteria provided, single submitter. Criteria: Invitae Variant Classification Sherloc (09022015). Collection method: clinical testing. Allele origin: germline.
Comment: This sequence change replaces arginine with leucine at codon 111 of the CCDC103 protein (p.Arg111Leu). The arginine residue is highly conserved and there is a moderate physicochemical difference between arginine and leucine. This variant is present in population databases (rs367570529, ExAC 0.001%). This variant has not been reported in the literature in individuals affected with CCDC103-related conditions. Algorithms developed to predict the effect of missense changes on protein structure and function (SIFT, PolyPhen-2, Align-GVGD) all suggest that this variant is likely to be disruptive. In summary, the available evidence is currently insufficient to determine the role of this variant in disease. Therefore, it has been classified as a Variant of Uncertain Significance.